The following is an entry in ClinVar:

ClinVar aggregate classification (germline): Uncertain significance. Review status: criteria provided, multiple submitters, no conflicts (2 of 4 stars). 3 submissions from 3 submitters: Uncertain significance (3). Last evaluated 2022-11-07.

Conditions:
Familial hemophagocytic lymphohistiocytosis 5. Also called: STXBP2-Related Familial Hemophagocytic Lymphohistiocytosis (STXBP2-fHLH). Identifiers: Orphanet 540, MedGen C2751293, MONDO:0013135, OMIM 613101.
Inborn genetic diseases. Identifiers: MedGen C0950123, MeSH D030342.

Allele frequency attached by ClinVar (database versions not stated): ExAC 0.00001; gnomAD 0.00001; gnomAD exomes 0.00001; TOPMed 0.00001.
gnomAD v4.1: 8 of 1,611,712 alleles (0.0005%); highest among the groups gnomAD compares: Middle Eastern, 0.017%; no homozygotes.

Submissions (3):

Ambry Genetics
Classification: Uncertain significance for Inborn genetic diseases. Last evaluated: 2022-11-07. Review status: criteria provided, single submitter. Criteria: Ambry Variant Classification Scheme 2023. Collection method: clinical testing. Allele origin: germline.

Labcorp Genetics (formerly Invitae), Labcorp
Classification: Uncertain significance for Familial hemophagocytic lymphohistiocytosis 5. Last evaluated: 2022-07-12. Review status: criteria provided, single submitter. Criteria: Invitae Variant Classification Sherloc (09022015). Collection method: clinical testing. Allele origin: germline.
Comment: This sequence change replaces aspartic acid, which is acidic and polar, with asparagine, which is neutral and polar, at codon 501 of the STXBP2 protein (p.Asp501Asn). This variant is present in population databases (rs776782833, gnomAD 0.002%). This variant has not been reported in the literature in individuals affected with STXBP2-related conditions. ClinVar contains an entry for this variant (Variation ID: 1337857). Algorithms developed to predict the effect of missense changes on protein structure and function (SIFT, PolyPhen-2, Align-GVGD) all suggest that this variant is likely to be tolerated. In summary, the available evidence is currently insufficient to determine the role of this variant in disease. Therefore, it has been classified as a Variant of Uncertain Significance.

Genetic Services Laboratory, University of Chicago
Classification: Uncertain significance. Last evaluated: 2021-03-24. Review status: criteria provided, single submitter. Criteria: ACMG Guidelines, 2015. Collection method: clinical testing. Allele origin: germline. Affected: no.
Comment: DNA sequence analysis of the STXBP2 gene demonstrated a sequence change, c.1501G>A, in exon 17 that results in an amino acid change, p.Asp501Asn. This sequence change has been described in gnomAD with a low frequency of 0.0019% (dbSNP rs776782833) in the Non-Finnish European sub-population. The p.Asp501Asn change affects a moderately conserved amino acid residue located in a domain of the STXBP2 protein that is known to be functional. The p.Asp501Asn substitution appears to be benign using several in-silico pathogenicity prediction tools (SIFT, PolyPhen2, Align GVGD, REVEL). This sequence change does not appear to have been previously described in patients with STXBP2-related disorders. Due to the lack of sufficient evidences, the clinical significance of the p.Asp501Asn change remains unknown at this time.

NM_006949.4(STXBP2):c.1501G>A (p.Asp501Asn)

Gene: STXBP2 (syntaxin binding protein 2; plus strand). Cytogenetic location: 19p13.2.
Variant type: single nucleotide variant.
Coding change: c.1501G>A on transcript NM_006949.4 (MANE Select); coding-DNA position 1501, G replaced by A.
Protein change: p.Asp501Asn; replaces aspartic acid 501 with asparagine.
Molecular consequence: missense variant. On other transcripts: non-coding transcript variant (1).
Genome position (GRCh38, 1-based): chr19:7,647,210, G>A. VCF-style: chr19-7647210-G-A. GRCh37 (hg19) VCF-style: chr19-7712096-G-A.
Other names: c.1501G>A (NM_006949.2); c.1492G>A, p.Asp498Asn (NM_001127396.3); c.1534G>A, p.Asp512Asn (NM_001272034.2); short protein forms D498N, D501N, D512N.
Identifiers: ClinVar variation 1337857 (VCV001337857.8), dbSNP rs776782833, ClinGen allele CA9144207.